The following is an entry in ClinVar:

NM_203447.4(DOCK8):c.3721C>T (p.Arg1241Cys)

Gene: DOCK8 (dedicator of cytokinesis 8; plus strand). Cytogenetic location: 9p24.3.
Variant type: single nucleotide variant.
Coding change: c.3721C>T on transcript NM_203447.4 (MANE Select); coding-DNA position 3721, C replaced by T.
Protein change: p.Arg1241Cys; replaces arginine 1241 with cysteine.
Molecular consequence: missense variant.
Genome position (GRCh38, 1-based): chr9:418,088, C>T. VCF-style: chr9-418088-C-T. GRCh37 (hg19) VCF-style: chr9-418088-C-T.
Other names: c.3421C>T, p.Arg1141Cys (NM_001190458.2); c.3517C>T, p.Arg1173Cys (NM_001193536.2); short protein forms R1173C, R1141C, R1241C.
Identifiers: ClinVar variation 653569 (VCV000653569.11), dbSNP rs556936872, ClinGen allele CA4958806.
Genomic context (GRCh38, chr9:418,088, plus strand): 5'-CATGTTTGACTTGACATCACAAACGATGTTTTCATTGCAGTTGCAGATACTCGCAGATAC[C>T]GCACCAGTGGCTCGGATGAAGAACAAGAAGGAGCCGGTGCCATTAACCAGAATGTGGCTC-3'
Protein context (NP_982272.2, residues 1231-1251): DFTVADTRRY[Arg1241Cys]TSGSDEEQEG

ClinVar aggregate classification (germline): Uncertain significance. Review status: criteria provided, multiple submitters, no conflicts (2 of 4 stars). 2 submissions from 2 submitters: Uncertain significance (2). Last evaluated 2025-06-11.

Conditions:
Inborn genetic diseases. Identifiers: MedGen C0950123, MeSH D030342.
Combined immunodeficiency due to DOCK8 deficiency (HIES2). Also called: HYPER-IgE RECURRENT INFECTION SYNDROME 2, AUTOSOMAL RECESSIVE; HYPER-IgE SYNDROME 2, AUTOSOMAL RECESSIVE, WITH RECURRENT INFECTIONS; HIES autosomal recessive; Hyper-IgE recurrent infection syndrome, autosomal recessive; DOCK8 Deficiency. Identifiers: Orphanet 217390, MedGen C4722305, MONDO:0009478, OMIM 243700.

Allele frequency attached by ClinVar (database versions not stated): ExAC 0.00009; gnomAD exomes 0.00010; gnomAD 0.00011 and 0.00013; TOPMed 0.00012; 1000 Genomes Project 0.00020; 1000 Genomes Project 30x 0.00031.
gnomAD v4.1: 80 of 1,614,164 alleles (0.005%); highest among the groups gnomAD compares: East Asian, 0.038%; no homozygotes.

Submissions (2):

Labcorp Genetics (formerly Invitae), Labcorp
Classification: Uncertain significance for Combined immunodeficiency due to DOCK8 deficiency. Last evaluated: 2025-06-11. Review status: criteria provided, single submitter. Criteria: Invitae Variant Classification Sherloc (09022015). Collection method: clinical testing. Allele origin: germline.
Comment: This sequence change replaces arginine, which is basic and polar, with cysteine, which is neutral and slightly polar, at codon 1241 of the DOCK8 protein (p.Arg1241Cys). This variant is present in population databases (rs556936872, gnomAD 0.07%). This variant has not been reported in the literature in individuals affected with DOCK8-related conditions. ClinVar contains an entry for this variant (Variation ID: 653569). Invitae Evidence Modeling of protein sequence and biophysical properties (such as structural, functional, and spatial information, amino acid conservation, physicochemical variation, residue mobility, and thermodynamic stability) indicates that this missense variant is not expected to disrupt DOCK8 protein function with a negative predictive value of 80%. In summary, the available evidence is currently insufficient to determine the role of this variant in disease. Therefore, it has been classified as a Variant of Uncertain Significance.

Ambry Genetics
Classification: Uncertain significance for Inborn genetic diseases. Last evaluated: 2021-10-26. Review status: criteria provided, single submitter. Criteria: Ambry Variant Classification Scheme 2023. Collection method: clinical testing. Allele origin: germline.